The following is an entry in ClinVar:

NM_017780.4(CHD7):c.2960G>A (p.Arg987Gln)

Gene: CHD7 (chromodomain helicase DNA binding protein 7; plus strand). Cytogenetic location: 8q12.2.
Variant type: single nucleotide variant.
Coding change: c.2960G>A on transcript NM_017780.4 (MANE Select); coding-DNA position 2960, G replaced by A.
Protein change: p.Arg987Gln; replaces arginine 987 with glutamine.
Molecular consequence: missense variant. On other transcripts: intron variant (1).
Genome position (GRCh38, 1-based): chr8:60,822,505, G>A. VCF-style: chr8-60822505-G-A. GRCh37 (hg19) VCF-style: chr8-61735064-G-A.
Other names: c.1717-39724G>A (NM_001316690.1); short protein forms R987Q.
Identifiers: ClinVar variation 288483 (VCV000288483.18), dbSNP rs767390470, ClinGen allele CA4759874.

ClinVar aggregate classification (germline): Conflicting classifications of pathogenicity. Review status: criteria provided, conflicting classifications (1 of 4 stars). 5 submissions from 5 submitters: Uncertain significance (2); Likely benign (3). Last evaluated 2025-12-16.

Conditions:
Inborn genetic diseases. Identifiers: MedGen C0950123, MeSH D030342.
CHARGE syndrome (CHARGE). Also called: Hittner Hirsch Kreh syndrome; Coloboma, heart anomaly, choanal atresia, retardation, genital and ear anomalies; CHARGE association; Hall-Hittner syndrome; CHARGE ASSOCIATION--COLOBOMA, HEART ANOMALY, CHOANAL ATRESIA, RETARDATION, GENITAL AND EAR ANOMALIES. Identifiers: Orphanet 138, MedGen C0265354, MONDO:0008965.
Hypogonadotropic hypogonadism 5 with or without anosmia (KAL5). Also called: CHD7-Related GnRH Deficiency (Kallmann Syndrome 5); HYPOGONADOTROPIC HYPOGONADISM 5 WITH ANOSMIA; HYPOGONADOTROPHIC HYPOGONADISM 5 WITHOUT ANOSMIA. Identifiers: Orphanet 478, MedGen C3552553, MONDO:0012880, OMIM 612370. Disease mechanism: loss of function.

Allele frequency attached by ClinVar (database versions not stated): ExAC 0.00002; TOPMed 0.00002; gnomAD exomes 0.00003 and 0.00009; gnomAD 0.00005.
gnomAD v4.1: 139 of 1,612,572 alleles (0.0086%); highest among the groups gnomAD compares: Non-Finnish European, 0.011%; no homozygotes.

Submissions (5):

Labcorp Genetics (formerly Invitae), Labcorp
Classification: Uncertain significance for CHARGE syndrome. Last evaluated: 2025-12-16. Review status: criteria provided, single submitter. Criteria: Invitae Variant Classification Sherloc (09022015). Collection method: clinical testing. Allele origin: germline.
Comment: This sequence change replaces arginine, which is basic and polar, with glutamine, which is neutral and polar, at codon 987 of the CHD7 protein (p.Arg987Gln). This variant is present in population databases (rs767390470, gnomAD 0.006%). This variant has not been reported in the literature in individuals affected with CHD7-related conditions. ClinVar contains an entry for this variant (Variation ID: 288483). An algorithm developed to predict the effect of missense changes on protein structure and function (PolyPhen-2) suggests that this variant is likely to be disruptive. In summary, the available evidence is currently insufficient to determine the role of this variant in disease. Therefore, it has been classified as a Variant of Uncertain Significance.

Fulgent Genetics
Classification: Likely benign for CHD7-related CHARGE syndrome; Hypogonadotropic hypogonadism 5 with or without anosmia. Last evaluated: 2024-03-27. Review status: criteria provided, single submitter. Criteria: ACMG Guidelines, 2015. Collection method: clinical testing. Allele origin: germline.

Blueprint Genetics
Classification: Likely benign. Last evaluated: 2023-10-06. Review status: criteria provided, single submitter. Criteria: ACMG Guidelines, 2015. Collection method: clinical testing. Allele origin: germline.

Ambry Genetics
Classification: Likely benign for Inborn genetic diseases. Last evaluated: 2020-04-27. Review status: criteria provided, single submitter. Criteria: Ambry Variant Classification Scheme 2023. Collection method: clinical testing. Allele origin: germline.

Eurofins Ntd Llc (ga)
Classification: Uncertain significance. Last evaluated: 2016-07-13. Review status: criteria provided, single submitter. Criteria: EGL Classification Definitions 2015. Collection method: clinical testing. Allele origin: germline. Observed: 1 variant allele, 1 heterozygote.